The following is an entry in ClinVar:

ClinVar aggregate classification (germline): Benign. Review status: criteria provided, single submitter (1 of 4 stars). 2 submissions from 2 submitters: Benign (1). 1 of the submissions does not count toward it. Last evaluated 2026-01-22.

Conditions:
RASGRP2-related disorder. Also called: RASGRP2-related condition.

Allele frequency attached by ClinVar (database versions not stated): ExAC 0.00023; 1000 Genomes Project 30x 0.00031; 1000 Genomes Project 0.00040; gnomAD 0.00054; TOPMed 0.00063; ESP Exome Variant Server 0.00069.

Submissions (2):

Labcorp Genetics (formerly Invitae), Labcorp
Classification: Benign. Last evaluated: 2026-01-22. Review status: criteria provided, single submitter. Criteria: Invitae Variant Classification Sherloc (09022015). Collection method: clinical testing. Allele origin: germline.

PreventionGenetics, part of Exact Sciences
Classification: Likely benign for RASGRP2-related condition. Last evaluated: 2019-05-02. Review status: no assertion criteria provided. Collection method: clinical testing. Allele origin: germline. Not counted in ClinVar's aggregate classification.
Comment: This variant is classified as likely benign based on ACMG/AMP sequence variant interpretation guidelines (Richards et al. 2015 PMID: 25741868, with internal and published modifications).

NM_001098671.2(RASGRP2):c.1797G>A (p.Thr599=)

Gene: RASGRP2 (RAS guanyl releasing protein 2; minus strand). Cytogenetic location: 11q13.1.
Variant type: single nucleotide variant.
Coding change: c.1797G>A on transcript NM_001098671.2 (MANE Select); coding-DNA position 1797, G replaced by A.
Protein change: p.Thr599=; no amino-acid change (threonine 599 retained).
Molecular consequence: synonymous variant.
Genome position (GRCh38, 1-based): chr11:64,727,335, C>T on the plus strand (G>A on the coding strand, the complement: RASGRP2 is on the minus strand). VCF-style: chr11-64727335-C-T. GRCh37 (hg19) VCF-style: chr11-64494807-C-T.
Other names: c.1797G>A, p.Thr599= (NM_001098670.2, NM_153819.2); c.1362G>A, p.Thr454= (NM_001318398.2).
Identifiers: ClinVar variation 2049827 (VCV002049827.6), dbSNP rs139115510, ClinGen allele CA6078780.